The following is an entry in ClinVar:

NM_000179.3(MSH6):c.749T>C (p.Val250Ala)

Gene: MSH6 (mutS homolog 6; plus strand). Cytogenetic location: 2p16.3.
Variant type: single nucleotide variant.
Coding change: c.749T>C on transcript NM_000179.3 (MANE Select); coding-DNA position 749, T replaced by C.
Protein change: p.Val250Ala; replaces valine 250 with alanine.
Molecular consequence: missense variant. On other transcripts: 5 prime UTR variant (2).
Genome position (GRCh38, 1-based): chr2:47,798,732, T>C. VCF-style: chr2-47798732-T-C. GRCh37 (hg19) VCF-style: chr2-48025871-T-C.
Other names: p.V250A:GTC>GCC; c.359T>C, p.Val120Ala (NM_001281492.2); c.-158T>C (NM_001281493.2, NM_001281494.2); short protein forms V250A, V120A.
Identifiers: ClinVar variation 140780 (VCV000140780.53), dbSNP rs587781275, ClinGen allele CA016410.

ClinVar aggregate classification (germline): Conflicting classifications of pathogenicity. Review status: criteria provided, conflicting classifications (1 of 4 stars). 16 submissions from 16 submitters: Uncertain significance (11); Likely benign (3). 2 of the submissions do not count toward it. Last evaluated 2026-01-26.

Conditions:
Hereditary nonpolyposis colorectal neoplasms. Identifiers: MedGen C0009405, MeSH D003123.
Breast and/or ovarian cancer. Identifiers: MedGen CN221562.
Hereditary cancer-predisposing syndrome. Also called: Neoplastic Syndromes, Hereditary; Tumor predisposition; Hereditary Cancer Syndrome; Hereditary neoplastic syndrome. Identifiers: Orphanet 140162, MedGen C0027672, MeSH D009386, MONDO:0015356.
Lynch syndrome. Identifiers: Orphanet 144, MedGen C4552100, MONDO:0005835. Disease mechanism: loss of function.
Lynch syndrome 5 (LYNCH5). Also called: Colorectal cancer, hereditary nonpolyposis, type 5; Hereditary non-polyposis colorectal cancer, type 5. Identifiers: Orphanet 144, MedGen C1833477, MONDO:0013710, OMIM 614350. Disease mechanism: loss of function.
Endometrial carcinoma. Also called: Endometrial carcinoma, somatic. Identifiers: MedGen C0476089, MONDO:0002447, OMIM 608089, HP:0012114.

Allele frequency attached by ClinVar (database versions not stated): ExAC 0.00002; TOPMed 0.00002; gnomAD 0.00003 and 0.00004; gnomAD exomes 0.00003 and 0.00017.

Submissions (16):

Labcorp Genetics (formerly Invitae), Labcorp
Classification: Likely benign for Hereditary nonpolyposis colorectal neoplasms. Last evaluated: 2026-01-26. Review status: criteria provided, single submitter. Criteria: Invitae Variant Classification Sherloc (09022015). Collection method: clinical testing. Allele origin: germline.

Women's Health and Genetics/Laboratory Corporation of America, LabCorp
Classification: Likely benign. Last evaluated: 2025-09-16. Review status: criteria provided, single submitter. Criteria: LabCorp Variant Classification Summary - May 2015. Collection method: clinical testing. Allele origin: germline.
Comment: Variant summary: MSH6 c.749T>C (p.Val250Ala) results in a non-conservative amino acid change in the encoded protein sequence. Algorithms developed to predict the effect of missense changes on protein structure and function are either unavailable or do not agree on the potential impact of this missense change. The variant allele was found at a frequency of 0.00015 in 1613646 control chromosomes, predominantly at a frequency of 0.00021 within the Non-Finnish European subpopulation in the gnomAD database. The observed variant frequency within Non-Finnish European control individuals in the gnomAD database exceeds the estimated maximal expected allele frequency for disease-causing variants in MSH6. c.749T>C has been observed in an individual affected with prostate cancer and an individual with ovarian cancer from a study that searched for candidate germline cancer predisposition variants in the exome sequence data from 4,034 cancer patients across 12 diverse cancer types (Lu_2015). These report(s) do not provide unequivocal conclusions about association of the variant with Hereditary Nonpolyposis Colorectal Cancer. To our knowledge, no experimental evidence demonstrating an impact on protein function has been reported. The following publication has been ascertained in the context of this evaluation (PMID: 26689913). ClinVar contains an entry for this variant (Variation ID: 140780). Based on the evidence outlined above, the variant was classified as likely benign.

Ambry Genetics
Classification: Uncertain significance for Hereditary cancer-predisposing syndrome. Last evaluated: 2025-06-11. Review status: criteria provided, single submitter. Criteria: Ambry Variant Classification Scheme 2023. Collection method: clinical testing. Allele origin: germline.
Comment: The p.V250A variant (also known as c.749T>C), located in coding exon 4 of the MSH6 gene, results from a T to C substitution at nucleotide position 749. The valine at codon 250 is replaced by alanine, an amino acid with similar properties. This alteration has been reported in an individual diagnosed with prostate cancer and an individual diagnosed with ovarian cancer from a cohort of 4034 cancer cases from The Cancer Genome Atlas (Lu C et al. Nat Commun. 2015 Dec 22;6:10086). This amino acid position is highly conserved through mammals but not in all available vertebrate species. In addition, the in silico prediction for this alteration is inconclusive. Based on the available evidence, the clinical significance of this variant remains unclear.

Quest Diagnostics Nichols Institute San Juan Capistrano
Classification: Uncertain significance. Last evaluated: 2025-03-04. Review status: criteria provided, single submitter. Criteria: Quest Diagnostics criteria. Collection method: clinical testing. Allele origin: unknown.
Comment: The MSH6 c.749T>C (p.Val250Ala) variant has been reported in the published literature in individuals with ovarian cancer, prostate cancer, and at high risk of hereditary breast/ovarian cancer syndrome (PMIDs: 26689913 (2015), 27153395 (2016)). In a case-control study, this variant was observed in individuals with breast cancer as well as in reportedly healthy individuals (PMID: 33471991 (2021), see LOVD). The frequency of this variant in the general population (Genome Aggregation Database) is uninformative in the assessment of its pathogenicity. Analysis of this variant using bioinformatics tools for the prediction of the effect of amino acid changes on protein structure and function yielded predictions that this variant is benign. Based on the available information, we are unable to determine the clinical significance of this variant.

Color Diagnostics, LLC DBA Color Health
Classification: Uncertain significance for Hereditary cancer-predisposing syndrome. Last evaluated: 2025-01-28. Review status: criteria provided, single submitter. Criteria: ACMG Guidelines, 2015. Collection method: clinical testing. Allele origin: germline.
Comment: This missense variant replaces valine with alanine at codon 250 of the MSH6 protein. Computational prediction suggests that this variant may not impact protein structure and function (internally defined REVEL score threshold <= 0.5, PMID: 27666373). To our knowledge, functional studies have not been reported for this variant. This variant has been reported in an individual affected with ovarian cancer and an individual affected with prostate cancer (PMID: 26689913). This variant has been identified in 249/1613646 chromosomes in the general population by the Genome Aggregation Database (gnomAD). The available evidence is insufficient to determine the role of this variant in disease conclusively. Therefore, this variant is classified as a Variant of Uncertain Significance.

Molecular Pathology, Peter Maccallum Cancer Centre
Classification: Uncertain significance for Lynch syndrome 5. Last evaluated: 2025-01-03. Review status: criteria provided, single submitter. Criteria: ACMG Guidelines, 2015. Collection method: clinical testing. Allele origin: germline. Inheritance: Autosomal dominant inheritance.

Myriad Genetics, Inc.
Classification: Likely benign for Lynch syndrome 5. Last evaluated: 2024-12-20. Review status: criteria provided, single submitter. Criteria: Myriad Autosomal Dominant, Autosomal Recessive and X-Linked Classification Criteria (2023). Collection method: clinical testing. Allele origin: unknown.
Comment: This variant is considered likely benign. This variant is strongly associated with less severe personal and family histories of cancer, typical for individuals without pathogenic variants in this gene [PMID: 27363726].

All of Us Research Program, National Institutes of Health
Classification: Uncertain significance for Lynch syndrome. Last evaluated: 2024-07-20. Review status: criteria provided, single submitter. Criteria: ACMG Guidelines, 2015. Collection method: clinical testing. Allele origin: germline. Inheritance: Autosomal dominant inheritance. Observed: 11 variant alleles, 11 heterozygotes.
Comment: This missense variant replaces valine with alanine at codon 250 of the MSH6 protein. Computational prediction suggests that this variant may not impact protein structure and function (internally defined REVEL score threshold <= 0.5, PMID: 27666373). To our knowledge, functional studies have not been reported for this variant. This variant has been reported in an individual affected with breast and an individual affected with prostate cancer (PMID: 26689913). This variant has been identified in 8/282434 chromosomes in the general population by the Genome Aggregation Database (gnomAD). The available evidence is insufficient to determine the role of this variant in disease conclusively. Therefore, this variant is classified as a Variant of Uncertain Significance.

This study involves interpretation of variants in research participants for the purpose of population health screening. Participant phenotype was not available at the time of variant classification. Additional details can be found in publication PMID: 35346344, PMCID: PMC8962531

Department of Pathology and Laboratory Medicine, Sinai Health System
Classification: Uncertain significance for Lynch syndrome. Last evaluated: 2024-06-05. Review status: criteria provided, single submitter. Criteria: ACMG Guidelines, 2015. Collection method: clinical testing. Allele origin: germline. Affected: yes.

GeneDx
Classification: Uncertain significance. Last evaluated: 2024-04-04. Review status: criteria provided, single submitter. Criteria: GeneDx Variant Classification Process June 2021. Collection method: clinical testing. Allele origin: germline. Affected: yes.
Comment: In silico analysis supports that this missense variant does not alter protein structure/function; Observed in individuals with breast, ovarian, or prostate cancer (PMID: 26689913, 27153395); This variant is associated with the following publications: (PMID: 25980754, 27153395, 26689913, 20579941, 21437237)

Baylor Genetics
Classification: Uncertain significance for Endometrial carcinoma. Last evaluated: 2024-03-24. Review status: criteria provided, single submitter. Criteria: ACMG Guidelines, 2015. Collection method: clinical testing. Allele origin: unknown.

CHEO Genetics Diagnostic Laboratory, Children's Hospital of Eastern Ontario
Classification: Uncertain significance for Breast and/or ovarian cancer. Last evaluated: 2023-03-08. Review status: criteria provided, single submitter. Criteria: ACMG Guidelines, 2015. Collection method: clinical testing. Allele origin: germline.

St. Jude Molecular Pathology, St. Jude Children's Research Hospital
Classification: Uncertain significance for Lynch syndrome. Last evaluated: 2020-10-15. Review status: criteria provided, single submitter. Criteria: St. Jude Assertion Criteria 2020. Collection method: clinical testing. Allele origin: germline.
Comment: The MSH6 c.749T>C (p.Val250Ala) missense change has a maximal subpopulation frequency of 0.0062% in gnomAD v2.1.1 (PM2_Supporting). Five of seven in silico tools predict a benign effect of this variant on protein function (BP4), but these predictions have not been confirmed by functional studies. This variant has been reported in a prostate tumor sample bearing more confirmed somatic mutations than expected, possibly suggestive of a mutator phenotype (PMID: 20579941). In summary, this variant meets criteria to be classified as of uncertain significance based on the ACMG/AMP criteria: PM2_Supporting, BP4.

Genetic Services Laboratory, University of Chicago
Classification: Uncertain significance. Last evaluated: 2017-08-14. Review status: criteria provided, single submitter. Criteria: ACMG Guidelines, 2015. Collection method: clinical testing. Allele origin: germline. Affected: no.

Counsyl
Classification: Uncertain significance for Lynch syndrome 5. Last evaluated: 2016-07-22. Review status: no assertion criteria provided. Collection method: clinical testing. Allele origin: unknown. Not counted in ClinVar's aggregate classification.

Mayo Clinic Laboratories, Mayo Clinic
Classification: Uncertain significance. Review status: no assertion criteria provided. Collection method: clinical testing. Allele origin: unknown. Not counted in ClinVar's aggregate classification.

Literature cited by the submitters: PubMed 26689913 (cited by 5 submitters); PubMed 33471991 (cited by Quest Diagnostics Nichols Institute San Juan Capistrano and Department of Pathology and Laboratory Medicine, Sinai Health System); PubMed 27153395 (cited by Quest Diagnostics Nichols Institute San Juan Capistrano); PubMed 27363726 (cited by Myriad Genetics, Inc.).